The following is an entry in ClinVar:

NM_000051.4(ATM):c.3993+2T>A

Gene: ATM (ATM serine/threonine kinase; plus strand). Cytogenetic location: 11q22.3.
Variant type: single nucleotide variant.
Coding change: c.3993+2T>A on transcript NM_000051.4 (MANE Select); the canonical splice donor site of the intron after coding-DNA position 3993, T replaced by A.
Molecular consequence: splice donor variant.
Genome position (GRCh38, 1-based): chr11:108,284,475, T>A. VCF-style: chr11-108284475-T-A. GRCh37 (hg19) VCF-style: chr11-108155202-T-A.
Other names: c.3993+2T>A (NM_001351834.2).
Identifiers: ClinVar variation 1736782 (VCV001736782.2), dbSNP rs2135710273, ClinGen allele CA382526312.

ClinVar aggregate classification (germline): Likely pathogenic (1 of 4 stars; one submission).

Conditions:
Hereditary cancer-predisposing syndrome. Also called: Neoplastic Syndromes, Hereditary; Tumor predisposition; Hereditary Cancer Syndrome; Hereditary neoplastic syndrome. Identifiers: Orphanet 140162, MedGen C0027672, MeSH D009386, MONDO:0015356.

Submission:

Ambry Genetics
Classification: Likely pathogenic for Hereditary cancer-predisposing syndrome. Last evaluated: 2022-06-16. Review status: criteria provided, single submitter. Criteria: Ambry Variant Classification Scheme 2023. Collection method: clinical testing. Allele origin: germline.
Comment: The c.3993+2T>A intronic variant results from a T to A substitution two nucleotides after coding exon 25 in the ATM gene. This nucleotide position is highly conserved in available vertebrate species. In silico splice site analysis predicts that this alteration will weaken the native splice donor site and may result in the creation or strengthening of a novel splice donor site. This variant is considered to be rare based on population cohorts in the Genome Aggregation Database (gnomAD). Alterations that disrupt the canonical splice site are expected to cause aberrant splicing, resulting in an abnormal protein or a transcript that is subject to nonsense-mediated mRNA decay. As such, this alteration is classified as likely pathogenic.